The following is an entry in ClinVar:

ClinVar aggregate classification (germline): Uncertain significance (1 of 4 stars; one submission).

Conditions:
Immunodeficiency 39 (IMD39). Identifiers: Orphanet 574918, MedGen C4225358, MONDO:0014597, OMIM 616345.

Submission:

Labcorp Genetics (formerly Invitae), Labcorp
Classification: Uncertain significance for Immunodeficiency 39. Last evaluated: 2022-09-26. Review status: criteria provided, single submitter. Criteria: Invitae Variant Classification Sherloc (09022015). Collection method: clinical testing. Allele origin: germline.
Comment: In summary, the available evidence is currently insufficient to determine the role of this variant in disease. Therefore, it has been classified as a Variant of Uncertain Significance. Advanced modeling of protein sequence and biophysical properties (such as structural, functional, and spatial information, amino acid conservation, physicochemical variation, residue mobility, and thermodynamic stability) performed at Invitae indicates that this missense variant is expected to disrupt IRF7 protein function. This variant has not been reported in the literature in individuals affected with IRF7-related conditions. This variant is not present in population databases (gnomAD no frequency). This sequence change replaces aspartic acid, which is acidic and polar, with alanine, which is neutral and non-polar, at codon 419 of the IRF7 protein (p.Asp419Ala).

NM_001572.5(IRF7):c.1217A>C (p.Asp406Ala)

Gene: IRF7 (interferon regulatory factor 7; minus strand). Cytogenetic location: 11p15.5.
Variant type: single nucleotide variant.
Coding change: c.1217A>C on transcript NM_001572.5 (MANE Select); coding-DNA position 1217, A replaced by C.
Protein change: p.Asp406Ala; replaces aspartic acid 406 with alanine.
Molecular consequence: missense variant.
Genome position (GRCh38, 1-based): chr11:613,226, T>G on the plus strand (A>C on the coding strand, the complement: IRF7 is on the minus strand). VCF-style: chr11-613226-T-G. GRCh37 (hg19) VCF-style: chr11-613226-T-G.
Other names: c.1130A>C, p.Asp377Ala (NM_004029.4); c.1256A>C, p.Asp419Ala (NM_004031.4); short protein forms D377A, D406A, D419A.
Identifiers: ClinVar variation 1720403 (VCV001720403.5), dbSNP rs2493894152, ClinGen allele CA378978506.